The following is an entry in ClinVar:

NM_000052.7(ATP7A):c.400G>T (p.Val134Leu)

Gene: ATP7A (ATPase copper transporting alpha; plus strand). Cytogenetic location: Xq21.1.
Variant type: single nucleotide variant.
Coding change: c.400G>T on transcript NM_000052.7 (MANE Select); coding-DNA position 400, G replaced by T.
Protein change: p.Val134Leu; replaces valine 134 with leucine.
Molecular consequence: missense variant.
Genome position (GRCh38, 1-based): chrX:77,988,521, G>T. VCF-style: chrX-77988521-G-T. GRCh37 (hg19) VCF-style: chrX-77244017-G-T.
Other names: c.400G>T, p.Val134Leu (NM_001282224.2); short protein forms V134L.
Identifiers: ClinVar variation 1375349 (VCV001375349.6), dbSNP rs371441365, ClinGen allele CA413599722.

ClinVar aggregate classification (germline): Uncertain significance (1 of 4 stars; one submission).

Conditions:
Cutis laxa, X-linked (OHS). Also called: EDS IX; Occipital horn syndrome. Identifiers: Orphanet 198, MedGen C0268353, MONDO:0010572, OMIM 304150.
X-linked distal spinal muscular atrophy type 3. Also called: ATP7A-Related Distal Motor Neuropathy; SPINAL MUSCULAR ATROPHY, DISTAL, X-LINKED RECESSIVE; NEUROPATHY, DISTAL HEREDITARY MOTOR, X-LINKED; NEURONOPATHY, DISTAL HEREDITARY MOTOR, X-LINKED. Identifiers: Orphanet 139557, MedGen C1845359, MONDO:0010338, OMIM 300489.
Menkes kinky-hair syndrome (MNK). Also called: Classic Menkes Disease; Copper transport disease; Menkes Disease. Identifiers: Orphanet 565, MedGen C0022716, MONDO:0010651, OMIM 309400.

gnomAD v4.1: 1 of 1,211,518 alleles (0.000083%); highest among the groups gnomAD compares: African/African-American, 0.0017%; no homozygotes.

Submission:

Labcorp Genetics (formerly Invitae), Labcorp
Classification: Uncertain significance for X-linked distal spinal muscular atrophy type 3; Cutis laxa, X-linked; Menkes kinky-hair syndrome. Last evaluated: 2024-11-11. Review status: criteria provided, single submitter. Criteria: Invitae Variant Classification Sherloc (09022015). Collection method: clinical testing. Allele origin: germline.
Comment: This sequence change replaces valine, which is neutral and non-polar, with leucine, which is neutral and non-polar, at codon 134 of the ATP7A protein (p.Val134Leu). This variant is not present in population databases (gnomAD no frequency). This variant has not been reported in the literature in individuals affected with ATP7A-related conditions. ClinVar contains an entry for this variant (Variation ID: 1375349). Invitae Evidence Modeling of protein sequence and biophysical properties (such as structural, functional, and spatial information, amino acid conservation, physicochemical variation, residue mobility, and thermodynamic stability) indicates that this missense variant is not expected to disrupt ATP7A protein function with a negative predictive value of 95%. In summary, the available evidence is currently insufficient to determine the role of this variant in disease. Therefore, it has been classified as a Variant of Uncertain Significance.